The following is an entry in ClinVar:

NM_020117.11(LARS1):c.594+294C>T

Gene: LARS1 (leucyl-tRNA synthetase 1; minus strand). Cytogenetic location: 5q32.
Variant type: single nucleotide variant.
Coding change: c.594+294C>T on transcript NM_020117.11 (MANE Select); 294 bases into the intron after coding-DNA position 594, C replaced by T.
Molecular consequence: intron variant.
Genome position (GRCh38, 1-based): chr5:146,164,016, G>A on the plus strand (C>T on the coding strand, the complement: LARS1 is on the minus strand). VCF-style: chr5-146164016-G-A. GRCh37 (hg19) VCF-style: chr5-145543579-G-A.
Other names: c.432+294C>T (NM_001317965.2); c.513+294C>T (NM_016460.4); c.456+294C>T (NM_001317964.2).
Identifiers: ClinVar variation 684138 (VCV000684138.1), dbSNP rs2962509, ClinGen allele CA15367893.
Genomic context (GRCh38, chr5:146,164,016, plus strand): 5'-AGCCAGTCAGTGGAGCAGTCAGAACACAAACATTTACCAATTAAGTTTGCCACCTTATAT[G>A]GGTACAGTGTGTGGCAACCCAAAACAATTAGAATAATAACATCAAAGATCACTGAATATA-3'

ClinVar aggregate classification (germline): Benign (1 of 4 stars; one submission).

Allele frequency attached by ClinVar (database versions not stated): TOPMed 0.64508; gnomAD 0.64667 and 0.65299; 1000 Genomes Project 30x 0.70721; 1000 Genomes Project 0.71306.
gnomAD v4.1: 99,195 of 152,022 alleles (65%); highest among the groups gnomAD compares: Middle Eastern, 79%; 32,674 homozygotes.

Submission:

GeneDx
Classification: Benign. Last evaluated: 2018-06-14. Review status: criteria provided, single submitter. Criteria: GeneDx Variant Classification (06012015). Collection method: clinical testing. Allele origin: germline. Affected: yes.
Comment: This variant is considered likely benign or benign based on one or more of the following criteria: it is a conservative change, it occurs at a poorly conserved position in the protein, it is predicted to be benign by multiple in silico algorithms, and/or has population frequency not consistent with disease.